The following is an entry in ClinVar:

NM_000057.4(BLM):c.3508del (p.Tyr1170fs)

Gene: BLM (BLM RecQ like helicase; plus strand). Cytogenetic location: 15q26.1.
Variant type: Deletion.
Coding change: c.3508del on transcript NM_000057.4 (MANE Select); coding-DNA position 3508, one base deleted (T; older notation c.3508delT).
Protein change: p.Tyr1170fs; shifts the reading frame from tyrosine 1170.
Molecular consequence: frameshift variant. On other transcripts: intron variant (1).
Genome position (GRCh38, 1-based): chr15:90,803,670, T deleted; the last of 2 consecutive T bases (chr15:90,803,669-90,803,670); deleting either gives the same sequence. VCF-style (leftmost placement, unchanged base first): chr15-90803668-CT-C. GRCh37 (hg19) VCF-style: chr15-91346898-CT-C.
Other names: c.3508del, p.Tyr1170fs (NM_001287246.2); c.2383del, p.Tyr795fs (NM_001287248.2); c.3358+5333del (NM_001287247.2); short protein forms Y1170fs, Y795fs.
Identifiers: ClinVar variation 558254 (VCV000558254.13), dbSNP rs1555424311, ClinGen allele CA658824104.

ClinVar aggregate classification (germline): Pathogenic. Review status: criteria provided, multiple submitters, no conflicts (2 of 4 stars). 3 submissions from 3 submitters: Pathogenic (2). 1 of the submissions does not count toward it. Last evaluated 2023-09-08.

Conditions:
Hereditary cancer-predisposing syndrome. Also called: Neoplastic Syndromes, Hereditary; Hereditary Cancer Syndrome; Hereditary neoplastic syndrome; Tumor predisposition. Identifiers: Orphanet 140162, MedGen C0027672, MeSH D009386, MONDO:0015356.
Bloom syndrome (BLM). Also called: Bloom-Torre-Machacek syndrome. Identifiers: Orphanet 125, MedGen C0005859, MONDO:0008876, OMIM 210900.

Submissions (3):

Labcorp Genetics (formerly Invitae), Labcorp
Classification: Pathogenic for Bloom syndrome. Last evaluated: 2023-09-08. Review status: criteria provided, single submitter. Criteria: Invitae Variant Classification Sherloc (09022015). Collection method: clinical testing. Allele origin: germline.
Comment: For these reasons, this variant has been classified as Pathogenic. ClinVar contains an entry for this variant (Variation ID: 558254). This variant has not been reported in the literature in individuals affected with BLM-related conditions. This variant is not present in population databases (gnomAD no frequency). This sequence change creates a premature translational stop signal (p.Tyr1170Metfs*2) in the BLM gene. It is expected to result in an absent or disrupted protein product. Loss-of-function variants in BLM are known to be pathogenic (PMID: 17407155).

Ambry Genetics
Classification: Pathogenic for Hereditary cancer-predisposing syndrome. Last evaluated: 2019-05-15. Review status: criteria provided, single submitter. Criteria: Ambry Variant Classification Scheme 2023. Collection method: clinical testing. Allele origin: germline.
Comment: The c.3508delT pathogenic mutation, located in coding exon 17 of the BLM gene, results from a deletion of one nucleotide at nucleotide position 3508, causing a translational frameshift with a predicted alternate stop codon (p.Y1170Mfs*2). This alteration is expected to result in loss of function by premature protein truncation or nonsense-mediated mRNA decay. As such, this alteration is interpreted as a disease-causing mutation.

Counsyl
Classification: Likely pathogenic for Bloom syndrome. Last evaluated: 2018-05-10. Review status: no assertion criteria provided. Collection method: clinical testing. Allele origin: unknown. Not counted in ClinVar's aggregate classification.

Literature cited by the submitters: PubMed 17407155 (cited by Labcorp Genetics (formerly Invitae), Labcorp).